The following is an entry in ClinVar:

ClinVar aggregate classification (germline): Conflicting classifications of pathogenicity. Review status: criteria provided, conflicting classifications (1 of 4 stars). 12 submissions from 11 submitters: Likely pathogenic (1); Uncertain significance (1); Likely benign (8). 2 of the submissions do not count toward it. Last evaluated 2026-02-03.

Conditions:
Hereditary cancer-predisposing syndrome. Also called: Tumor predisposition; Hereditary neoplastic syndrome; Hereditary Cancer Syndrome; Neoplastic Syndromes, Hereditary. Identifiers: Orphanet 140162, MedGen C0027672, MeSH D009386, MONDO:0015356.
Holoprosencephaly 7 (HPE7). Identifiers: Orphanet 2162, MedGen C1835820, MONDO:0012562, OMIM 610828.
Gorlin syndrome. Also called: Basal cell nevus syndrome; Nevoid Basal Cell Carcinoma Syndrome. Identifiers: Orphanet 377, MedGen C0004779, MONDO:0007187.
Polydactyly of a triphalangeal thumb. Also called: Polydactyly, preaxial type II; POLYDACTYLY OF TRIPHALANGEAL THUMB; TRIPHALANGEAL THUMB-POLYDACTYLY SYNDROME. Identifiers: Orphanet 2439, Orphanet 2950, Orphanet 93336, MedGen C1868114, MONDO:0008270, OMIM 174500.
PTCH1-related disorder. Also called: PTCH1-related disorders; PTCH1-related condition.

Allele frequency attached by ClinVar (database versions not stated): gnomAD exomes 0.00011 and 0.00012; ExAC 0.00013; gnomAD 0.00015 and 0.00017; 1000 Genomes Project 30x 0.00016; TOPMed 0.00017; 1000 Genomes Project 0.00020.
gnomAD v4.1: 191 of 1,569,746 alleles (0.012%); highest among the groups gnomAD compares: Middle Eastern, 0.05%; no homozygotes.

Submissions (12):

Labcorp Genetics (formerly Invitae), Labcorp
Classification: Likely benign for Gorlin syndrome. Last evaluated: 2026-02-03. Review status: criteria provided, single submitter. Criteria: Invitae Variant Classification Sherloc (09022015). Collection method: clinical testing. Allele origin: germline.

PreventionGenetics, part of Exact Sciences
Classification: Likely benign for PTCH1-related condition. Last evaluated: 2025-04-09. Review status: criteria provided, single submitter. Criteria: ACMG Guidelines, 2015. Collection method: clinical testing. Allele origin: germline.
Comment: This variant is classified as likely benign based on ACMG/AMP sequence variant interpretation guidelines (Richards et al. 2015 PMID: 25741868, with internal and published modifications).

Quest Diagnostics Nichols Institute San Juan Capistrano
Classification: Likely benign. Last evaluated: 2023-05-09. Review status: criteria provided, single submitter. Criteria: Quest Diagnostics criteria. Collection method: clinical testing. Allele origin: unknown.

Sema4
Classification: Likely benign for Hereditary cancer-predisposing syndrome. Last evaluated: 2021-08-03. Review status: criteria provided, single submitter. Criteria: Sema4 Curation Guidelines. Collection method: curation. Allele origin: germline.

CeGaT Center for Human Genetics Tuebingen
Classification: Uncertain significance. Last evaluated: 2021-05-01. Review status: criteria provided, single submitter. Criteria: CeGaT Center For Human Genetics Tuebingen Variant Classification Criteria Version 2. Collection method: clinical testing. Allele origin: germline. Affected: yes. Observed: 2 variant alleles.

Ambry Genetics
Classification: Likely benign for Hereditary cancer-predisposing syndrome. Last evaluated: 2018-10-05. Review status: criteria provided, single submitter. Criteria: Ambry Variant Classification Scheme 2023. Collection method: clinical testing. Allele origin: germline.

Illumina Laboratory Services, Illumina
Classification: Likely benign for Basal cell nevus syndrome 1. Last evaluated: 2018-01-12. Review status: criteria provided, single submitter. Criteria: ICSL Variant Classification Criteria 13 December 2019. Collection method: clinical testing. Allele origin: germline.
Comment: This variant was observed in the ICSL laboratory as part of a predisposition screen in an ostensibly healthy population. It had not been previously curated by ICSL or reported in the Human Gene Mutation Database (HGMD: prior to June 1st, 2018), and was therefore a candidate for classification through an automated scoring system. Utilizing variant allele frequency, disease prevalence and penetrance estimates, and inheritance mode, an automated score was calculated to assess if this variant is too frequent to cause the disease. Based on the score and internal cut-off values, a variant classified as likely benign is not then subjected to further curation. The score for this variant resulted in a classification of likely benign for this disease.

Illumina Laboratory Services, Illumina
Classification: Likely benign for Holoprosencephaly 7. Last evaluated: 2018-01-12. Review status: criteria provided, single submitter. Criteria: ICSL Variant Classification Criteria 13 December 2019. Collection method: clinical testing. Allele origin: germline.
Comment: the same text as in the submission from Illumina Laboratory Services, Illumina above.

GeneDx
Classification: Likely benign. Last evaluated: 2017-04-18. Review status: criteria provided, single submitter. Criteria: GeneDx Variant Classification (06012015). Collection method: clinical testing. Allele origin: germline. Affected: yes.
Comment: This variant is considered likely benign or benign based on one or more of the following criteria: it is a conservative change, it occurs at a poorly conserved position in the protein, it is predicted to be benign by multiple in silico algorithms, and/or has population frequency not consistent with disease.

Department of Pediatrics, The Second Affiliated Hospital and Yuying Children's Hospital of Wenzhou Medical University
Classification: Likely pathogenic for Polydactyly of a triphalangeal thumb. Review status: criteria provided, single submitter. Criteria: ACMG Guidelines, 2015. Collection method: clinical testing. Allele origin: inherited. Inheritance: Autosomal dominant inheritance. Affected: yes. Observed: 2 variant alleles, 2 heterozygotes.

ITMI
No classification provided. Condition: AllHighlyPenetrant. Last evaluated: 2013-09-19. Review status: no classification provided. Collection method: reference population. Allele origin: germline. Not counted in ClinVar's aggregate classification.
Comment: Please see associated publication for description of ethnicities

Department of Pathology and Laboratory Medicine, Sinai Health System
Classification: Likely benign. Review status: no assertion criteria provided. Collection method: clinical testing. Allele origin: unknown. Affected: yes. Study: The Canadian Open Genetics Repository (COGR). Not counted in ClinVar's aggregate classification.
Comment: The PTCH1 p.Arg1140His variant was not identified in the literature nor was it identified in Cosmic or LOVD 3.0. The variant was identified in dbSNP (ID: rs560967532) and in ClinVar (conflicting interpretations of pathogenicity; classified as likely benign by GeneDx, uncertain significance by Invitae and Ambry Genetics with associated conditions of Gorlin Syndrome and hereditary cancer-predisposing syndrome. The variant was also identified in control databases in 24 of 207308 chromosomes at a frequency of 0.000116 (Genome Aggregation Database Feb 27, 2017) and was observed in the following populations: Latino in 11 of 26728 chromosomes (freq: 0.000412), European (non-Finnish) in 10 of 88232 chromosomes (freq: 0.000113), African in 2 of 18948 chromosomes (freq: 0.000106) and South Asian in 1 of 24368 chromosomes (freq: 0.000041); it was not observed in the Ashkenazi Jewish, East Asian, European (Finnish) and Other populations. The variant occurs outside of the splicing consensus sequence and in silico or computational prediction software programs (SpliceSiteFinder, MaxEntScan, NNSPLICE, GeneSplicer) do not predict a difference in splicing. The p.Arg1140 residue is conserved in mammals but not in more distantly related organisms however four out of five computational analyses (PolyPhen-2, SIFT, AlignGVGD, BLOSUM, MutationTaster) do not suggest a high likelihood of impact to the protein; this information is not predictive enough to rule out pathogenicity. In summary, based on the above information the clinical significance of this variant cannot be determined with certainty at this time although we would lean towards a more benign role for this variant. This variant is classified as likely benign.

Literature cited by the submitters: PubMed 24728327 (cited by Quest Diagnostics Nichols Institute San Juan Capistrano and ITMI); PubMed 12204003 (cited by Ambry Genetics).

NM_000264.5(PTCH1):c.3617G>A (p.Arg1206His)

Gene: PTCH1 (patched 1; minus strand). Cytogenetic location: 9q22.32.
Variant type: single nucleotide variant.
Coding change: c.3617G>A on transcript NM_000264.5 (MANE Select); coding-DNA position 3617, G replaced by A.
Protein change: p.Arg1206His; replaces arginine 1206 with histidine.
Molecular consequence: missense variant. On other transcripts: non-coding transcript variant (1).
Genome position (GRCh38, 1-based): chr9:95,449,256, C>T on the plus strand (G>A on the coding strand, the complement: PTCH1 is on the minus strand). VCF-style: chr9-95449256-C-T. GRCh37 (hg19) VCF-style: chr9-98211538-C-T.
Other names: c.3419G>A, p.Arg1140His (NM_001083602.3); c.3614G>A, p.Arg1205His (NM_001083603.3); c.3164G>A, p.Arg1055His (NM_001083604.3, NM_001083605.3, NM_001083606.3 and 1 more transcripts); c.3461G>A, p.Arg1154His (NM_001354918.2); c.3617G>A (NM_000264.4); short protein forms R1140H, R1206H, R1055H, R1205H, R1154H.
Identifiers: ClinVar variation 135101 (VCV000135101.60), dbSNP rs560967532, ClinGen allele CA161709.
Genomic context (GRCh38, chr9:95,449,256, plus strand): 5'-CTATACTCCGAGTCGGAGGAATCAGACCCGCTGTGCGTGTGGCCGGGCGGCATGGCGAAG[C>T]GGACCACGCTGGGGGGTGGCTCAGGGGAGGGTGTGGGCAGGCGGTTCAAGCCGTTGGCTG-3'
Protein context (NP_000255.2, residues 1196-1216): PSPEPPPSVV[Arg1206His]FAMPPGHTHS